The following is an entry in ClinVar:

NM_022042.4(SLC26A1):c.1822G>A (p.Gly608Ser)

Genes: IDUA (alpha-L-iduronidase; plus strand), SLC26A1 (solute carrier family 26 member 1; minus strand). Cytogenetic location: 4p16.3.
Variant type: single nucleotide variant.
Coding change: c.1822G>A on transcript NM_022042.4 (MANE Select); coding-DNA position 1822, G replaced by A.
Protein change: p.Gly608Ser; replaces glycine 608 with serine.
Molecular consequence: missense variant. On other transcripts: intron variant (2).
Genome position (GRCh38, 1-based): chr4:989,117, C>T on the plus strand (G>A on the coding strand, the complement: SLC26A1 is on the minus strand). VCF-style: chr4-989117-C-T. GRCh37 (hg19) VCF-style: chr4-982905-C-T.
Other names: c.1822G>A, p.Gly608Ser (NM_213613.4); c.576+2011G>A (NM_134425.4); c.299+1168C>T (NM_000203.5); short protein forms G608S.
Identifiers: ClinVar variation 3163816 (VCV003163816.3), dbSNP rs764924643, ClinGen allele CA2801259.
Genomic context (GRCh38, chr4:989,117, plus strand): 5'-TCACACCGGCTGCGTCTAGGAACAGCAGCGGGGCGCAGTCGATGACCACTGTGTGGAAGC[C>T]GGCCGCTGCGGGCACCAGCGCAGCCCTGGTGCTAACCGGGCCCAGGTCCTCGCCCTGGGC-3'
Protein context (NP_071325.2, residues 598-618): TRAALVPAAA[Gly608Ser]FHTVVIDCAP

ClinVar aggregate classification (germline): Uncertain significance. Review status: criteria provided, multiple submitters, no conflicts (2 of 4 stars). 2 submissions from 2 submitters: Uncertain significance (2). Last evaluated 2024-12-23.

Conditions:
Inborn genetic diseases. Identifiers: MedGen C0950123, MeSH D030342.

Allele frequency attached by ClinVar (database versions not stated): TOPMed 0.00003; gnomAD 0.00005; gnomAD exomes 0.00005; ExAC 0.00008.
gnomAD v4.1: 78 of 1,605,188 alleles (0.0049%); highest among the groups gnomAD compares: East Asian, 0.0045%; no homozygotes.

Submissions (2):

Labcorp Genetics (formerly Invitae), Labcorp
Classification: Uncertain significance. Last evaluated: 2024-12-23. Review status: criteria provided, single submitter. Criteria: Invitae Variant Classification Sherloc (09022015). Collection method: clinical testing. Allele origin: germline.
Comment: This sequence change replaces glycine, which is neutral and non-polar, with serine, which is neutral and polar, at codon 608 of the SLC26A1 protein (p.Gly608Ser). This variant is present in population databases (rs764924643, gnomAD 0.02%). This variant has not been reported in the literature in individuals affected with SLC26A1-related conditions. ClinVar contains an entry for this variant (Variation ID: 3163816). Invitae Evidence Modeling of protein sequence and biophysical properties (such as structural, functional, and spatial information, amino acid conservation, physicochemical variation, residue mobility, and thermodynamic stability) indicates that this missense variant is not expected to disrupt SLC26A1 protein function with a negative predictive value of 80%. In summary, the available evidence is currently insufficient to determine the role of this variant in disease. Therefore, it has been classified as a Variant of Uncertain Significance.

Ambry Genetics
Classification: Uncertain significance for Inborn genetic diseases. Last evaluated: 2023-12-09. Review status: criteria provided, single submitter. Criteria: Ambry Variant Classification Scheme 2023. Collection method: clinical testing. Allele origin: germline.